The following is an entry in ClinVar:

ClinVar aggregate classification (germline): Likely benign. Review status: criteria provided, multiple submitters, no conflicts (2 of 4 stars). 5 submissions from 5 submitters: Likely benign (5). Last evaluated 2026-01-26.

Conditions:
GNB1-related disorder. Also called: GNB1-related condition.

Allele frequency attached by ClinVar (database versions not stated): TOPMed 0.00023; gnomAD 0.00009 and 0.00011; ExAC 0.00012; gnomAD exomes 0.00012 and 0.00018.
gnomAD v4.1: 213 of 1,571,890 alleles (0.014%); highest among the groups gnomAD compares: Middle Eastern, 0.27%; no homozygotes.

Submissions (5):

Labcorp Genetics (formerly Invitae), Labcorp
Classification: Likely benign. Last evaluated: 2026-01-26. Review status: criteria provided, single submitter. Criteria: Invitae Variant Classification Sherloc (09022015). Collection method: clinical testing. Allele origin: germline.

PreventionGenetics, part of Exact Sciences
Classification: Likely benign for GNB1-related condition. Last evaluated: 2024-12-12. Review status: criteria provided, single submitter. Criteria: ACMG Guidelines, 2015. Collection method: clinical testing. Allele origin: germline.
Comment: This variant is classified as likely benign based on ACMG/AMP sequence variant interpretation guidelines (Richards et al. 2015 PMID: 25741868, with internal and published modifications).

Blueprint Genetics
Classification: Likely benign. Last evaluated: 2024-09-18. Review status: criteria provided, single submitter. Criteria: ACMG Guidelines, 2015. Collection method: clinical testing. Allele origin: germline.

CeGaT Center for Human Genetics Tuebingen
Classification: Likely benign. Last evaluated: 2023-04-01. Review status: criteria provided, single submitter. Criteria: CeGaT Center For Human Genetics Tuebingen Variant Classification Criteria Version 2. Collection method: clinical testing. Allele origin: germline. Affected: yes. Observed: 2 variant alleles.
Comment: GNB1: BP4, BP7

Breakthrough Genomics
Classification: Likely benign. Review status: criteria provided, single submitter. Criteria: ACMG Guidelines, 2015. Collection method: not provided. Allele origin: germline. Inheritance: Autosomal dominant inheritance. Affected: yes.

NM_002074.5(GNB1):c.705T>C (p.Phe235=)

Gene: GNB1 (G protein subunit beta 1; minus strand). Cytogenetic location: 1p36.33.
Variant type: single nucleotide variant.
Coding change: c.705T>C on transcript NM_002074.5 (MANE Select); coding-DNA position 705, T replaced by C.
Protein change: p.Phe235=; no amino-acid change (phenylalanine 235 retained).
Molecular consequence: synonymous variant.
Genome position (GRCh38, 1-based): chr1:1,789,264, A>G on the plus strand (T>C on the coding strand, the complement: GNB1 is on the minus strand). VCF-style: chr1-1789264-A-G. GRCh37 (hg19) VCF-style: chr1-1720703-A-G.
Other names: c.405T>C, p.Phe135= (NM_001282538.2); c.705T>C, p.Phe235= (NM_001282539.2).
Identifiers: ClinVar variation 764288 (VCV000764288.37), dbSNP rs753314529, ClinGen allele CA531949.